The following is an entry in ClinVar:

NM_000257.4(MYH7):c.28G>C (p.Gly10Arg)

Gene: MYH7 (myosin heavy chain 7; minus strand). Cytogenetic location: 14q11.2.
Variant type: single nucleotide variant.
Coding change: c.28G>C on transcript NM_000257.4 (MANE Select); coding-DNA position 28, G replaced by C.
Protein change: p.Gly10Arg; replaces glycine 10 with arginine.
Molecular consequence: missense variant.
Genome position (GRCh38, 1-based): chr14:23,433,705, C>G on the plus strand (G>C on the coding strand, the complement: MYH7 is on the minus strand). VCF-style: chr14-23433705-C-G. GRCh37 (hg19) VCF-style: chr14-23902914-C-G.
Other names: short protein forms G10R.
Identifiers: ClinVar variation 177741 (VCV000177741.40), dbSNP rs199577321, ClinGen allele CA013193.

ClinVar aggregate classification (germline): Conflicting classifications of pathogenicity. Review status: criteria provided, conflicting classifications (1 of 4 stars). 11 submissions from 8 submitters: Uncertain significance (4); Likely benign (7). Last evaluated 2026-01-19.

Conditions:
Myosin storage myopathy (CMYO7A). Also called: MYOPATHY WITH LYSIS OF TYPE I MYOFIBRILS; MYH7-related late-onset scapuloperoneal muscular dystrophy; Congenital myopathy 7A, myosin storage, autosomal dominant; MYOPATHY, HYALINE BODY, AUTOSOMAL DOMINANT; Scapuloperoneal myopathy, MYH7-related; SCAPULOPERONEAL MUSCULAR DYSTROPHY. Identifiers: Orphanet 437572, Orphanet 636965, MedGen C1842160, MONDO:0008409, OMIM 608358.
Cardiovascular phenotype. Identifiers: MedGen CN230736.
Cardiomyopathy (CMYO). Also called: Cardiomyopathies. Identifiers: Orphanet 167848, MedGen C0878544, MONDO:0004994, HP:0001638. Inheritance: Various modes of inheritance.
Hypertrophic cardiomyopathy 1 (CMH1). Also called: Familial hypertrophic cardiomyopathy 1; MYH7-Related Familial Hypertrophic Cardiomyopathy. Identifiers: MedGen C3495498, MONDO:0008647, OMIM 192600.
MYH7-related skeletal myopathy. Also called: Myopathy, distal, 1; Laing early-onset distal myopathy; MYOPATHY, DISTAL, EARLY-ONSET, AUTOSOMAL DOMINANT; MYOPATHY, LATE DISTAL HEREDITARY; Laing distal myopathy. Identifiers: Orphanet 59135, MedGen C4552004, MONDO:0008050, OMIM 160500.
Dilated cardiomyopathy 1S (CMD1S). Identifiers: Orphanet 154, Orphanet 54260, MedGen C1834481, MONDO:0013262, OMIM 613426.
Hypertrophic cardiomyopathy. Also called: HYPERTROPHIC MYOCARDIOPATHY. Identifiers: Orphanet 217569, MedGen C0007194, MeSH D002312, MONDO:0005045, HP:0001639.

Allele frequency attached by ClinVar (database versions not stated): gnomAD exomes 0.00002 and 0.00007; TOPMed 0.00003; gnomAD 0.00004; ExAC 0.00007; ESP Exome Variant Server 0.00008.
gnomAD v4.1: 35 of 1,614,094 alleles (0.0022%); highest among the groups gnomAD compares: Non-Finnish European, 0.00042%; no homozygotes.

Submissions (11):

Labcorp Genetics (formerly Invitae), Labcorp
Classification: Likely benign for Hypertrophic cardiomyopathy. Last evaluated: 2026-01-19. Review status: criteria provided, single submitter. Criteria: Invitae Variant Classification Sherloc (09022015). Collection method: clinical testing. Allele origin: germline.

Ambry Genetics
Classification: Uncertain significance for Cardiovascular phenotype. Last evaluated: 2024-03-12. Review status: criteria provided, single submitter. Criteria: Ambry Variant Classification Scheme 2023. Collection method: clinical testing. Allele origin: germline.
Comment: The p.G10R variant (also known as c.28G>C), located in coding exon 1 of the MYH7 gene, results from a G to C substitution at nucleotide position 28. The glycine at codon 10 is replaced by arginine, an amino acid with dissimilar properties. This variant has been reported in association with hypertrophic cardiomyopathy (HCM) and pediatric cardiomyopathy; however it has also been seen in exome and healthy cohorts (Ng D et al. Circ Cardiovasc Genet, 2013 Aug;6:337-46; Walsh R et al. Genet Med, 2017 Feb;19:192-203; Harper AR et al. Nat Genet, 2021 Feb;53:135-142; Ware SM et al. Am J Hum Genet, 2022 Feb;109:282-298; Park J et al. Hum Mol Genet, 2022 Mar;31:827-837). This amino acid position is highly conserved in available vertebrate species. In addition, this alteration is predicted to be deleterious by in silico analysis. Based on the available evidence, the clinical significance of this alteration remains unclear.

All of Us Research Program, National Institutes of Health
Classification: Likely benign for Cardiomyopathy. Last evaluated: 2024-01-11. Review status: criteria provided, single submitter. Criteria: ACMG Guidelines, 2015. Collection method: clinical testing. Allele origin: germline. Inheritance: Autosomal dominant inheritance. Observed: 9 variant alleles, 9 heterozygotes.
Comment: This study involves interpretation of variants in research participants for the purpose of population health screening. Participant phenotype was not available at the time of variant classification. Additional details can be found in publication PMID: 35346344, PMCID: PMC8962531

Color Diagnostics, LLC DBA Color Health
Classification: Likely benign for Cardiomyopathy. Last evaluated: 2019-09-23. Review status: criteria provided, single submitter. Criteria: ACMG Guidelines, 2015. Collection method: clinical testing. Allele origin: germline.

Laboratory for Molecular Medicine, Mass General Brigham Personalized Medicine
Classification: Likely benign. Last evaluated: 2018-03-09. Review status: criteria provided, single submitter. Criteria: LMM Criteria. Collection method: clinical testing. Allele origin: germline. Observed: 2 variant alleles.
Comment: p.Gly10Arg in exon 3 of MYH7: This variant is not expected to have clinical sign ificance because it has been identified in 0.15% of Ashkenazi Jewish chromosomes by the Genome Aggregation Database (gnomAD; d bSNP rs199577321). ACMG/AMP Criteria Applied: BS1.

CHEO Genetics Diagnostic Laboratory, Children's Hospital of Eastern Ontario
Classification: Likely benign for Cardiomyopathy. Last evaluated: 2017-11-10. Review status: criteria provided, single submitter. Criteria: ACMG Guidelines, 2015. Collection method: clinical testing. Allele origin: germline.

Illumina Laboratory Services, Illumina
Classification: Uncertain significance for Dilated cardiomyopathy 1S. Last evaluated: 2017-04-27. Review status: criteria provided, single submitter. Criteria: ICSL Variant Classification Criteria 13 December 2019. Collection method: clinical testing. Allele origin: germline.

Illumina Laboratory Services, Illumina
Classification: Likely benign for MYH7-related skeletal myopathy. Last evaluated: 2017-04-27. Review status: criteria provided, single submitter. Criteria: ICSL Variant Classification Criteria 13 December 2019. Collection method: clinical testing. Allele origin: germline.
Comment: This variant was observed as part of a predisposition screen in an ostensibly healthy population. A literature search was performed for the gene, cDNA change, and amino acid change (where applicable). No publications were found based on this search. Allele frequency data from public databases allowed determination this variant is unlikely to cause disease. Therefore, this variant is classified as likely benign.

Illumina Laboratory Services, Illumina
Classification: Uncertain significance for Myosin storage myopathy. Last evaluated: 2017-04-27. Review status: criteria provided, single submitter. Criteria: ICSL Variant Classification Criteria 13 December 2019. Collection method: clinical testing. Allele origin: germline.

Illumina Laboratory Services, Illumina
Classification: Uncertain significance for Hypertrophic cardiomyopathy 1. Last evaluated: 2017-04-27. Review status: criteria provided, single submitter. Criteria: ICSL Variant Classification Criteria 13 December 2019. Collection method: clinical testing. Allele origin: germline.

Biesecker Lab/Clinical Genomics Section, National Institutes of Health
Classification: Likely benign. Last evaluated: 2013-06-24. Review status: criteria provided, single submitter. Criteria: Ng et al. (Circ Cardiovasc Genet. 2013). Collection method: research. Allele origin: unknown. Observed: 2 variant alleles. Study: ClinSeq.
Comment: The study set was not selected for affection status in relation to any cancer. Pathogenicity categories were based on literature curation. See Pubmed ID:23861362 for details.

Medical sequencing

Literature cited by the submitters: PubMed 23861362 (cited by Ambry Genetics and Laboratory for Molecular Medicine, Mass General Brigham Personalized Medicine); PubMed 25611685 (cited by Ambry Genetics); PubMed 27532257 (cited by Ambry Genetics and Laboratory for Molecular Medicine, Mass General Brigham Personalized Medicine); PubMed 33495597 (cited by Ambry Genetics); PubMed 34542152 (cited by Ambry Genetics); PubMed 35026164 (cited by Ambry Genetics).